The following is an entry in ClinVar:

ClinVar aggregate classification (germline): Pathogenic (1 of 4 stars; one submission).

Conditions:
Hereditary breast ovarian cancer syndrome. Also called: Hereditary breast and/or ovarian cancer syndrome; Hereditary breast and ovarian cancer syndrome; Breast and ovarian cancer; Hereditary breast and ovarian cancer syndrome (HBOC); BRCA1- and BRCA2-Associated Hereditary Breast and Ovarian Cancer; Hereditary breast and ovarian cancer. Identifiers: Orphanet 145, MedGen C0677776, MeSH D061325, MONDO:0003582. Disease mechanism: loss of function.

Submission:

Labcorp Genetics (formerly Invitae), Labcorp
Classification: Pathogenic for Hereditary breast ovarian cancer syndrome. Last evaluated: 2025-11-13. Review status: criteria provided, single submitter. Criteria: Invitae Variant Classification Sherloc (09022015). Collection method: clinical testing. Allele origin: germline.
Comment: This sequence change creates a premature translational stop signal (p.Cys419*) in the BRCA2 gene. It is expected to result in an absent or disrupted protein product. Loss-of-function variants in BRCA2 are known to be pathogenic (PMID: 20104584). This variant is not present in population databases (gnomAD no frequency). This variant has not been reported in the literature in individuals affected with BRCA2-related conditions. For these reasons, this variant has been classified as Pathogenic.

Literature cited by the submitters: PubMed 20104584.

NM_000059.4(BRCA2):c.1257T>A (p.Cys419Ter)

Gene: BRCA2 (BRCA2 DNA repair associated; plus strand). Cytogenetic location: 13q13.1.
Variant type: single nucleotide variant.
Coding change: c.1257T>A on transcript NM_000059.4 (MANE Select); coding-DNA position 1257, T replaced by A.
Protein change: p.Cys419Ter; replaces cysteine 419 with a stop codon.
Molecular consequence: nonsense. On other transcripts: non-coding transcript variant (1), intron variant (1).
Genome position (GRCh38, 1-based): chr13:32,332,735, T>A. VCF-style: chr13-32332735-T-A. GRCh37 (hg19) VCF-style: chr13-32906872-T-A.
Other names: c.1257T>A, p.Cys419Ter (NM_001406719.1, NM_001406720.1, NM_001406721.1 and 1 more transcripts); c.424+1705T>A (NM_001406722.1); short protein forms C419*.
Identifiers: ClinVar variation 4731155 (VCV004731155.1).